The following is an entry in ClinVar:

NM_021614.4(KCNN2):c.1072A>T (p.Ile358Phe)

Gene: KCNN2 (potassium calcium-activated channel subfamily N member 2; plus strand). Cytogenetic location: 5q22.3.
Variant type: single nucleotide variant.
Coding change: c.1072A>T on transcript NM_021614.4 (MANE Select); coding-DNA position 1072, A replaced by T.
Protein change: p.Ile358Phe; replaces isoleucine 358 with phenylalanine.
Molecular consequence: missense variant. On other transcripts: non-coding transcript variant (1).
Genome position (GRCh38, 1-based): chr5:114,363,211, A>T. VCF-style: chr5-114363211-A-T. GRCh37 (hg19) VCF-style: chr5-113698908-A-T.
Other names: c.1270A>T, p.Ile424Phe (NM_001372233.1); short protein forms I358F, I424F.
Identifiers: ClinVar variation 3771662 (VCV003771662.13).
Genomic context (GRCh38, chr5:114,363,211, plus strand): 5'-GCCCTGTTCGAAAAGCGCAAGCGGCTCAGCGACTACGCGCTCATCTTCGGCATGTTCGGC[A>T]TCGTGGTCATGGTCATCGAGACCGAGCTGTCGTGGGGCGCCTACGACAAGGTACAGGCTT-3'
Protein context (NP_067627.3, residues 348-368): DYALIFGMFG[Ile358Phe]VVMVIETELS

ClinVar aggregate classification (germline): Uncertain significance (1 of 4 stars; one submission).

Submission:

CeGaT Center for Human Genetics Tuebingen
Classification: Uncertain significance. Last evaluated: 2024-12-01. Review status: criteria provided, single submitter. Criteria: CeGaT Center For Human Genetics Tuebingen Variant Classification Criteria Version 2. Collection method: clinical testing. Allele origin: germline. Affected: yes. Observed: 1 variant allele.
Comment: KCNN2: PM2, PP2, PP3